The following is an entry in ClinVar:

NM_003073.5(SMARCB1):c.713C>T (p.Ala238Val)

Gene: SMARCB1 (SWI/SNF related BAF chromatin remodeling complex subunit B1; plus strand). Cytogenetic location: 22q11.23.
Variant type: single nucleotide variant.
Coding change: c.713C>T on transcript NM_003073.5 (MANE Select); coding-DNA position 713, C replaced by T.
Protein change: p.Ala238Val; replaces alanine 238 with valine.
Molecular consequence: missense variant.
Genome position (GRCh38, 1-based): chr22:23,816,854, C>T. VCF-style: chr22-23816854-C-T. GRCh37 (hg19) VCF-style: chr22-24159041-C-T.
Other names: c.686C>T, p.Ala229Val (NM_001007468.3); c.740C>T, p.Ala247Val (NM_001317946.2); c.767C>T, p.Ala256Val (NM_001362877.2); c.713C>T (LRG_520t1); short protein forms A238V, A256V, A229V, A247V.
Identifiers: ClinVar variation 410708 (VCV000410708.10), dbSNP rs1060503019, ClinGen allele CA16616563.
Genomic context (GRCh38, chr22:23,816,854, plus strand): 5'-TTTCAGAAATCCTCTGTGACGATCTGGATTTGAACCCGCTGACGTTTGTGCCAGCCATCG[C>T]CTCTGCCATCAGACAGCAGATCGAGTCCTACCCCACGGACAGCATCCTGGAGGACCAGTC-3'
Protein context (NP_003064.2, residues 228-248): LNPLTFVPAI[Ala238Val]SAIRQQIESY

ClinVar aggregate classification (germline): Uncertain significance (1 of 4 stars; one submission).

Allele frequency attached by ClinVar (database versions not stated): gnomAD exomes below 0.00001.

Submission:

Labcorp Genetics (formerly Invitae), Labcorp
Classification: Uncertain significance. Last evaluated: 2016-10-12. Review status: criteria provided, single submitter. Criteria: Invitae Variant Classification Sherloc (09022015). Collection method: clinical testing. Allele origin: germline.
Comment: In summary, this variant is a novel missense change that is not predicted to affect protein function. There is no indication that it causes disease, but the available evidence is currently insufficient to prove that conclusively. Therefore, it has been classified as a Variant of Uncertain Significance. Algorithms developed to predict the effect of missense changes on protein structure and function (SIFT, PolyPhen-2, Align-GVGD) all suggest that this variant is likely to be tolerated, but these predictions have not been confirmed by published functional studies. This variant is not present in population databases (ExAC no frequency) and has not been reported in the literature in individuals with a SMARCB1-related disease. This sequence change replaces alanine with valine at codon 238 of the SMARCB1 protein (p.Ala238Val). The alanine residue is highly conserved and there is a small physicochemical difference between alanine and valine.